The following is an entry in ClinVar:

NM_000069.3(CACNA1S):c.5484G>A (p.Met1828Ile)

Gene: CACNA1S (calcium voltage-gated channel subunit alpha1 S; minus strand). Cytogenetic location: 1q32.1.
Variant type: single nucleotide variant.
Coding change: c.5484G>A on transcript NM_000069.3 (MANE Select); coding-DNA position 5484, G replaced by A.
Protein change: p.Met1828Ile; replaces methionine 1828 with isoleucine.
Molecular consequence: missense variant.
Genome position (GRCh38, 1-based): chr1:201,039,969, C>T on the plus strand (G>A on the coding strand, the complement: CACNA1S is on the minus strand). VCF-style: chr1-201039969-C-T. GRCh37 (hg19) VCF-style: chr1-201009097-C-T.
Other names: short protein forms M1828I.
Identifiers: ClinVar variation 2233707 (VCV002233707.3), dbSNP rs753800466, ClinGen allele CA083879.

ClinVar aggregate classification (germline): Uncertain significance. Review status: criteria provided, multiple submitters, no conflicts (2 of 4 stars). 2 submissions from 2 submitters: Uncertain significance (2). Last evaluated 2024-03-06.

Conditions:
Inborn genetic diseases. Identifiers: MedGen C0950123, MeSH D030342.
Malignant hyperthermia, susceptibility to, 5 (MHS5). Also called: CACNA1S-Related Malignant Hyperthermia Susceptibility. Identifiers: Orphanet 423, MedGen C1866077, MONDO:0011163, OMIM 601887.

Allele frequency attached by ClinVar (database versions not stated): gnomAD exomes below 0.00001; ExAC 0.00001; gnomAD 0.00001.

Submissions (2):

Color Diagnostics, LLC DBA Color Health
Classification: Uncertain significance for Malignant hyperthermia, susceptibility to, 5. Last evaluated: 2024-03-06. Review status: criteria provided, single submitter. Criteria: ACMG Guidelines, 2015. Collection method: clinical testing. Allele origin: germline.
Comment: This missense variant replaces methionine with isoleucine at codon 1828 of the CACNA1S protein. Computational prediction suggests that this variant may not impact protein structure and function. To our knowledge, functional studies have not been reported for this variant. This variant has not been reported in individuals affected with CACNA1S-related disorders in the literature. This variant has not been identified in the general population by the Genome Aggregation Database (gnomAD). The available evidence is insufficient to determine the role of this variant in disease conclusively. Therefore, this variant is classified as a Variant of Uncertain Significance.

Ambry Genetics
Classification: Uncertain significance for Inborn genetic diseases. Last evaluated: 2021-08-06. Review status: criteria provided, single submitter. Criteria: Ambry Variant Classification Scheme 2023. Collection method: clinical testing. Allele origin: germline.